The following is an entry in ClinVar:

NM_002382.5(MAX):c.385A>T (p.Ser129Cys)

Gene: MAX (MYC associated transcriptional regulator X; minus strand). Cytogenetic location: 14q23.3.
Variant type: single nucleotide variant.
Coding change: c.385A>T on transcript NM_002382.5 (MANE Select); coding-DNA position 385, A replaced by T.
Protein change: p.Ser129Cys; replaces serine 129 with cysteine.
Molecular consequence: missense variant. On other transcripts: 3 prime UTR variant (12), non-coding transcript variant (7), intron variant (2).
Genome position (GRCh38, 1-based): chr14:65,076,574, T>A on the plus strand (A>T on the coding strand, the complement: MAX is on the minus strand). VCF-style: chr14-65076574-T-A. GRCh37 (hg19) VCF-style: chr14-65543292-T-A.
Other names: c.196A>T, p.Ser66Cys (NM_001320415.2, NM_001407105.1, NM_001407106.1 and 1 more transcripts); c.385A>T, p.Ser129Cys (NM_001407094.1); c.358A>T, p.Ser120Cys (NM_001407095.1, NM_145112.3); c.*158A>T (NM_001407096.1, NM_001407099.1, NM_001407102.1 and 2 more transcripts); c.*174A>T (NM_001407097.1, NM_001407100.1, NM_001407101.1 and 4 more transcripts); c.277A>T, p.Ser93Cys (NM_001407098.1); c.184A>T, p.Ser62Cys (NM_001407111.1, NM_001407112.1); c.144+17134A>T (NM_001271069.2); and 1 more; short protein forms S120C, S66C, S129C, S93C, S62C.
Identifiers: ClinVar variation 2762829 (VCV002762829.3), dbSNP rs2063062255, ClinGen allele CA390031665.
Genomic context (GRCh38, chr14:65,076,574, plus strand): 5'-GCTCTTCAGGCTCAGACTCCGAGCTGGAGTCCGAGCCCCCATCGAAGGCAGAGATGGTGC[T>A]GCCCTTGGCGTTGGTGTAGAGGCTGTTGTCTGAGGAGGGGTAGTTGGTCTGCAGTTGGGC-3'
Protein context (NP_002373.3, residues 119-139): DNSLYTNAKG[Ser129Cys]TISAFDGGSD

ClinVar aggregate classification (germline): Uncertain significance (1 of 4 stars; one submission).

Conditions:
Hereditary pheochromocytoma and paraganglioma. Also called: Hereditary Paraganglioma-Pheochromocytoma Syndromes; Hereditary pheochromocytoma-paraganglioma; Hereditary paragangliomas and pheochromocytomas. Identifiers: Orphanet 29072, MedGen C4274332, MONDO:0017366.

Submission:

Labcorp Genetics (formerly Invitae), Labcorp
Classification: Uncertain significance for Hereditary pheochromocytoma and paraganglioma. Last evaluated: 2023-10-10. Review status: criteria provided, single submitter. Criteria: Invitae Variant Classification Sherloc (09022015). Collection method: clinical testing. Allele origin: germline.
Comment: This sequence change replaces serine, which is neutral and polar, with cysteine, which is neutral and slightly polar, at codon 129 of the MAX protein (p.Ser129Cys). This variant is not present in population databases (gnomAD no frequency). This variant has not been reported in the literature in individuals affected with MAX-related conditions. An algorithm developed to predict the effect of missense changes on protein structure and function (PolyPhen-2) suggests that this variant is likely to be tolerated. In summary, the available evidence is currently insufficient to determine the role of this variant in disease. Therefore, it has been classified as a Variant of Uncertain Significance.